The following is an entry in ClinVar:

ClinVar aggregate classification (germline): Uncertain significance (1 of 4 stars; one submission).

Submission:

Women's Health and Genetics/Laboratory Corporation of America, LabCorp
Classification: Uncertain significance. Last evaluated: 2025-01-28. Review status: criteria provided, single submitter. Criteria: LabCorp Variant Classification Summary - May 2015. Collection method: clinical testing. Allele origin: germline.
Comment: Variant summary: The variant involves the deletion of exon 5 in the SHOX gene in transcript NM_000451.4 (also known as exon 6 in transcript NM_000451.3). A presumed nomenclature of c.(633+1_634-1)_(*6949_?)del has been designated for the purposes of this classification. The exact breakpoint at the distal 3' end of this variant is unknown, therefore this deletion may extend downstream of the annotated region of the gene. As it encompasses the termination codon, it is predicted to escape nonsense mediated decay (NMD). This CNV may extend to downstream and delete the last exon of an alternate transcript (NM_006883.2). However, clinical relevance of NM_006883.2 cannot be established at this time.The variant was absent in 21598 control chromosomes. c.(633+1_634-1)_(*6949_?)del has been reported in the literature in individuals with symptoms associated with SHOX-related disorders (e.g, Bunyan_2012, Benito-Sanz_2017). These data indicate that the variant may be associated with disease. To our knowledge, no experimental evidence demonstrating an impact on protein function has been reported. ClinVar contains an entry for this variant (Variation ID: 979660). Based on the evidence outlined above, the variant was classified as VUS-possibly pathogenic.

Literature cited by the submitters: PubMed 23636926; PubMed 27604558.

NC_000023.10:g.(601823_605125)_(612320_?)del

Gene: SHOX (SHOX homeobox; plus strand). Cytogenetic location: Xp22.33.
Variant type: Deletion.
Identifiers: ClinVar variation 3769235 (VCV003769235.2).